The following is an entry in ClinVar:

ClinVar aggregate classification (germline): Uncertain significance (1 of 4 stars; one submission).

Conditions:
Nemaline myopathy 2 (NEM2). Also called: Nemaline myopathy 2, autosomal recessive. Identifiers: MedGen C1850569, MONDO:0009725, OMIM 256030.

Submission:

Labcorp Genetics (formerly Invitae), Labcorp
Classification: Uncertain significance for Nemaline myopathy 2. Last evaluated: 2023-05-23. Review status: criteria provided, single submitter. Criteria: Invitae Variant Classification Sherloc (09022015). Collection method: clinical testing. Allele origin: germline.
Comment: This variant is present in population databases (no rsID available, gnomAD 0.003%). In summary, the available evidence is currently insufficient to determine the role of this variant in disease. Therefore, it has been classified as a Variant of Uncertain Significance. Experimental studies and prediction algorithms are not available or were not evaluated, and the functional significance of this variant is currently unknown. ClinVar contains an entry for this variant (Variation ID: 2192341). This variant has not been reported in the literature in individuals affected with NEB-related conditions. This sequence change replaces aspartic acid, which is acidic and polar, with glutamic acid, which is acidic and polar, at codon 600 of the NEB protein (p.Asp600Glu).

NM_001164508.2(NEB):c.1800C>A (p.Asp600Glu)

Gene: NEB (nebulin; minus strand). Cytogenetic location: 2q23.3.
Variant type: single nucleotide variant.
Coding change: c.1800C>A on transcript NM_001164508.2 (MANE Select); coding-DNA position 1800, C replaced by A.
Protein change: p.Asp600Glu; replaces aspartic acid 600 with glutamic acid.
Molecular consequence: missense variant.
Genome position (GRCh38, 1-based): chr2:151,694,419, G>T on the plus strand (C>A on the coding strand, the complement: NEB is on the minus strand). VCF-style: chr2-151694419-G-T. GRCh37 (hg19) VCF-style: chr2-152550933-G-T.
Other names: c.1800C>A, p.Asp600Glu (NM_001164507.2, NM_001271208.2, NM_004543.5); short protein forms D600E.
Identifiers: ClinVar variation 2192341 (VCV002192341.3), dbSNP rs532710372, ClinGen allele CA348824500.
Genomic context (GRCh38, chr2:151,694,419, plus strand): 5'-CATCTTGGGATCGTCATTAATGCTGAGGACTCCAATCATTTTCCCTTTGTTTTTTTCATA[G>T]TCTTTCTTGTACATCACCTGCAAAGACATCACACATGCCAGATTCCACTCAAGAGGAAAT-3'
Protein context (NP_001157980.2, residues 590-610): KNTSDVMYKK[Asp600Glu]YEKNKGKMIG